The following is an entry in ClinVar:

ClinVar aggregate classification (germline): Uncertain significance (1 of 4 stars; one submission).

Conditions:
Malignant hyperthermia, susceptibility to, 5 (MHS5). Also called: CACNA1S-Related Malignant Hyperthermia Susceptibility. Identifiers: Orphanet 423, MedGen C1866077, MONDO:0011163, OMIM 601887.

Submission:

All of Us Research Program, National Institutes of Health
Classification: Uncertain significance for Malignant hyperthermia, susceptibility to, 5. Last evaluated: 2023-09-17. Review status: criteria provided, single submitter. Criteria: ACMG Guidelines, 2015. Collection method: clinical testing. Allele origin: germline. Inheritance: Autosomal dominant inheritance. Observed: 1 variant allele, 1 heterozygote.
Comment: This missense variant replaces methionine with leucine at codon 152 of the CACNA1S protein. Computational prediction suggests that this variant may not impact protein structure and function (internally defined REVEL score threshold <= 0.5, PMID: 27666373). To our knowledge, functional studies have not been reported for this variant. This variant has not been reported in individuals affected with CACNA1S-related disorders in the literature. This variant has not been identified in the general population by the Genome Aggregation Database (gnomAD). The available evidence is insufficient to determine the role of this variant in disease conclusively. Therefore, this variant is classified as a Variant of Uncertain Significance.

This study involves interpretation of variants in research participants for the purpose of population health screening. Participant phenotype was not available at the time of variant classification. Additional details can be found in publication PMID: 35346344, PMCID: PMC8962531

NM_000069.3(CACNA1S):c.454A>T (p.Met152Leu)

Gene: CACNA1S (calcium voltage-gated channel subunit alpha1 S; minus strand). Cytogenetic location: 1q32.1.
Variant type: single nucleotide variant.
Coding change: c.454A>T on transcript NM_000069.3 (MANE Select); coding-DNA position 454, A replaced by T.
Protein change: p.Met152Leu; replaces methionine 152 with leucine.
Molecular consequence: missense variant.
Genome position (GRCh38, 1-based): chr1:201,092,059, T>A on the plus strand (A>T on the coding strand, the complement: CACNA1S is on the minus strand). VCF-style: chr1-201092059-T-A. GRCh37 (hg19) VCF-style: chr1-201061187-T-A.
Other names: short protein forms M152L.
Identifiers: ClinVar variation 3073450 (VCV003073450.1), dbSNP rs369332959, ClinGen allele CA344142172.